The following is an entry in ClinVar:

NM_001853.4(COL9A3):c.1702C>T (p.Pro568Ser)

Gene: COL9A3 (collagen type IX alpha 3 chain; plus strand). Cytogenetic location: 20q13.33.
Variant type: single nucleotide variant.
Coding change: c.1702C>T on transcript NM_001853.4 (MANE Select); coding-DNA position 1702, C replaced by T.
Protein change: p.Pro568Ser; replaces proline 568 with serine.
Molecular consequence: missense variant.
Genome position (GRCh38, 1-based): chr20:62,837,181, C>T. VCF-style: chr20-62837181-C-T. GRCh37 (hg19) VCF-style: chr20-61468533-C-T.
Other names: c.1702C>T (NM_001853.3); short protein forms P568S.
Identifiers: ClinVar variation 2869621 (VCV002869621.4), dbSNP rs2063643498, ClinGen allele CA409599366.

ClinVar aggregate classification (germline): Uncertain significance. Review status: criteria provided, multiple submitters, no conflicts (2 of 4 stars). 2 submissions from 2 submitters: Uncertain significance (2). Last evaluated 2025-09-10.

Conditions:
Inborn genetic diseases. Identifiers: MedGen C0950123, MeSH D030342.

Allele frequency attached by ClinVar (database versions not stated): gnomAD exomes 0.00001; TOPMed 0.00001.
gnomAD v4.1: 3 of 1,612,904 alleles (0.00019%); highest among the groups gnomAD compares: Non-Finnish European, 0.00017%; no homozygotes.

Submissions (2):

Ambry Genetics
Classification: Uncertain significance for Inborn genetic diseases. Last evaluated: 2025-09-10. Review status: criteria provided, single submitter. Criteria: Ambry Variant Classification Scheme 2023. Collection method: clinical testing. Allele origin: germline.

Labcorp Genetics (formerly Invitae), Labcorp
Classification: Uncertain significance. Last evaluated: 2023-05-23. Review status: criteria provided, single submitter. Criteria: Invitae Variant Classification Sherloc (09022015). Collection method: clinical testing. Allele origin: germline.
Comment: This sequence change replaces proline, which is neutral and non-polar, with serine, which is neutral and polar, at codon 568 of the COL9A3 protein (p.Pro568Ser). This variant is not present in population databases (gnomAD no frequency). This variant has not been reported in the literature in individuals affected with COL9A3-related conditions. Advanced modeling of protein sequence and biophysical properties (such as structural, functional, and spatial information, amino acid conservation, physicochemical variation, residue mobility, and thermodynamic stability) performed at Invitae indicates that this missense variant is not expected to disrupt COL9A3 protein function. In summary, the available evidence is currently insufficient to determine the role of this variant in disease. Therefore, it has been classified as a Variant of Uncertain Significance.